The following is an entry in ClinVar:

ClinVar aggregate classification (germline): Conflicting classifications of pathogenicity. Review status: criteria provided, conflicting classifications (1 of 4 stars). 2 submissions from 2 submitters: Pathogenic (1); Uncertain significance (1). Last evaluated 2023-09-28.

Conditions:
Wilson disease (WND). Also called: Wilson's disease. Identifiers: Orphanet 905, MedGen C0019202, MONDO:0010200, OMIM 277900. Disease mechanism: loss of function.

Allele frequency attached by ClinVar (database versions not stated): gnomAD exomes below 0.00001.
gnomAD v4.1: 2 of 1,614,218 alleles (0.00012%); highest among the groups gnomAD compares: South Asian, 0.0022%; no homozygotes.

Submissions (2):

Labcorp Genetics (formerly Invitae), Labcorp
Classification: Pathogenic for Wilson disease. Last evaluated: 2023-09-28. Review status: criteria provided, single submitter. Criteria: Invitae Variant Classification Sherloc (09022015). Collection method: clinical testing. Allele origin: germline.
Comment: For these reasons, this variant has been classified as Pathogenic. This variant disrupts the p.Ser744 amino acid residue in ATP7B. Other variant(s) that disrupt this residue have been determined to be pathogenic (PMID: 10502777, 14748773, 21682854). This suggests that this residue is clinically significant, and that variants that disrupt this residue are likely to be disease-causing. Advanced modeling of protein sequence and biophysical properties (such as structural, functional, and spatial information, amino acid conservation, physicochemical variation, residue mobility, and thermodynamic stability) performed at Invitae indicates that this missense variant is expected to disrupt ATP7B protein function. ClinVar contains an entry for this variant (Variation ID: 993705). This missense change has been observed in individual(s) with Wilson disease (PMID: 27398169). This variant is not present in population databases (gnomAD no frequency). This sequence change replaces serine, which is neutral and polar, with phenylalanine, which is neutral and non-polar, at codon 744 of the ATP7B protein (p.Ser744Phe).

ARUP Laboratories, Molecular Genetics and Genomics, ARUP Laboratories
Classification: Uncertain significance for Wilson disease. Last evaluated: 2020-06-28. Review status: criteria provided, single submitter. Criteria: ARUP Molecular Germline Variant Investigation Process. Collection method: clinical testing. Allele origin: germline.
Comment: The ATP7B c.2231C>T; p.Ser744Phe is reported in the literature in one individual with a clinical diagnosis of Wilson disease (Hua 2016). Additionally, another variant in this codon (c.2230T>C; p.Ser744Pro) has been reported in the homozygous state in an individual with Wilson disease (Curtis 1999). This variant is absent from general population databases (Exome Variant Server, Genome Aggregation Database), indicating it is not a common polymorphism. The serine at codon 744 is highly conserved, and computational analyses (SIFT, PolyPhen-2) predict that this variant is deleterious. Due to limited information, the clinical significance of the p.Ser744Phe variant is uncertain at this time. References: Curtis D et al. A study of Wilson disease mutations in Britain. Hum Mutat. 1999;14(4):304-311 Hua R et al. Mutational analysis of ATP7B in Chinese Wilson disease patients. Am J Transl Res. 2016;8(6):2851-2861.

Literature cited by the submitters: PubMed 10502777 (cited by Labcorp Genetics (formerly Invitae), Labcorp); PubMed 14748773 (cited by Labcorp Genetics (formerly Invitae), Labcorp); PubMed 21682854 (cited by Labcorp Genetics (formerly Invitae), Labcorp); PubMed 27398169 (cited by Labcorp Genetics (formerly Invitae), Labcorp).

NM_000053.4(ATP7B):c.2231C>T (p.Ser744Phe)

Gene: ATP7B (ATPase copper transporting beta; minus strand). Cytogenetic location: 13q14.3.
Variant type: single nucleotide variant.
Coding change: c.2231C>T on transcript NM_000053.4 (MANE Select); coding-DNA position 2231, C replaced by T.
Protein change: p.Ser744Phe; replaces serine 744 with phenylalanine.
Molecular consequence: missense variant. On other transcripts: intron variant (2).
Genome position (GRCh38, 1-based): chr13:51,958,435, G>A on the plus strand (C>T on the coding strand, the complement: ATP7B is on the minus strand). VCF-style: chr13-51958435-G-A. GRCh37 (hg19) VCF-style: chr13-52532571-G-A.
Other names: c.1898C>T, p.Ser633Phe (NM_001243182.2); c.1979C>T, p.Ser660Phe (NM_001330579.2); c.1870-828C>T (NM_001005918.3); c.2122-828C>T (NM_001330578.2); short protein forms S633F, S660F, S744F.
Identifiers: ClinVar variation 993705 (VCV000993705.11), dbSNP rs1958498953, ClinGen allele CA388022464.